The following is an entry in ClinVar:

ClinVar aggregate classification (germline): Uncertain significance (1 of 4 stars; one submission).

Conditions:
Epidermolysis bullosa simplex with nail dystrophy (EBS5D). Identifiers: MedGen C4225309, MONDO:0014661, OMIM 616487.
Epidermolysis bullosa simplex 5B, with muscular dystrophy (EBS5B). Also called: EPIDERMOLYSIS BULLOSA SIMPLEX AND LIMB-GIRDLE MUSCULAR DYSTROPHY; Epidermolysis bullosa simplex with muscular dystrophy. Identifiers: Orphanet 257, MedGen C2931072, MONDO:0009181, OMIM 226670.
Epidermolysis bullosa simplex 5C, with pyloric atresia (EBS5C). Also called: PLEC-Related Epidermolysis Bullosa with Pyloric Atresia; Epidermolysis bullosa simplex with pyloric atresia; PLEC1-Related Epidermolysis Bullosa with Pyloric Atresia. Identifiers: Orphanet 158684, MedGen C2677349, MONDO:0012807, OMIM 612138.
Autosomal recessive limb-girdle muscular dystrophy type 2Q (LGMDR17). Also called: MUSCULAR DYSTROPHY, LIMB-GIRDLE, AUTOSOMAL RECESSIVE 17. Identifiers: Orphanet 254361, MedGen C3150989, MONDO:0013390, OMIM 613723.
Epidermolysis bullosa simplex, Ogna type (EBS5A). Also called: Pidermolysis bullosa simplex 5A, Ogna type; EPIDERMOLYSIS BULLOSA SIMPLEX 5A, OGNA TYPE. Identifiers: Orphanet 79401, MedGen C0432317, MONDO:0007555, OMIM 131950.

Allele frequency attached by ClinVar (database versions not stated): gnomAD exomes 0.00001; TOPMed 0.00001.
gnomAD v4.1: 11 of 1,571,798 alleles (0.0007%); highest among the groups gnomAD compares: Non-Finnish European, 0.00094%; no homozygotes.

Submission:

Labcorp Genetics (formerly Invitae), Labcorp
Classification: Uncertain significance for Autosomal recessive limb-girdle muscular dystrophy type 2Q; Epidermolysis bullosa simplex, Ogna type; Epidermolysis bullosa simplex with nail dystrophy; Epidermolysis bullosa simplex 5C, with pyloric atresia; Epidermolysis bullosa simplex 5B, with muscular dystrophy. Last evaluated: 2023-02-03. Review status: criteria provided, single submitter. Criteria: Invitae Variant Classification Sherloc (09022015). Collection method: clinical testing. Allele origin: germline.
Comment: This sequence change replaces alanine, which is neutral and non-polar, with valine, which is neutral and non-polar, at codon 1572 of the PLEC protein (p.Ala1572Val). This variant is not present in population databases (gnomAD no frequency). This variant has not been reported in the literature in individuals affected with PLEC-related conditions. Advanced modeling of protein sequence and biophysical properties (such as structural, functional, and spatial information, amino acid conservation, physicochemical variation, residue mobility, and thermodynamic stability) has been performed at Invitae for this missense variant, however the output from this modeling did not meet the statistical confidence thresholds required to predict the impact of this variant on PLEC protein function. In summary, the available evidence is currently insufficient to determine the role of this variant in disease. Therefore, it has been classified as a Variant of Uncertain Significance.

NM_201384.3(PLEC):c.4634C>T (p.Ala1545Val)

Gene: PLEC (plectin; minus strand). Cytogenetic location: 8q24.3.
Variant type: single nucleotide variant.
Coding change: c.4634C>T on transcript NM_201384.3 (MANE Select); coding-DNA position 4634, C replaced by T.
Protein change: p.Ala1545Val; replaces alanine 1545 with valine.
Molecular consequence: missense variant. On other transcripts: intron variant (1).
Genome position (GRCh38, 1-based): chr8:143,925,295, G>A on the plus strand (C>T on the coding strand, the complement: PLEC is on the minus strand). VCF-style: chr8-143925295-G-A. GRCh37 (hg19) VCF-style: chr8-144999463-G-A.
Other names: c.4715C>T, p.Ala1572Val (NM_000445.5); c.4592C>T, p.Ala1531Val (NM_201378.4); c.4568C>T, p.Ala1523Val (NM_201379.3); c.5045C>T, p.Ala1682Val (NM_201380.4); c.4538C>T, p.Ala1513Val (NM_201381.3); c.4634C>T, p.Ala1545Val (NM_201382.4); c.4646C>T, p.Ala1549Val (NM_201383.3); c.4125+1489C>T (NM_001410941.1); short protein forms A1549V, A1523V, A1545V, A1531V, A1682V, A1513V, A1572V.
Identifiers: ClinVar variation 2927251 (VCV002927251.3), dbSNP rs977607620, ClinGen allele CA187616663.
Genomic context (GRCh38, chr8:143,925,295, plus strand): 5'-ACCTGTACCTGCCGCGCTCGCTCCACCTCGGCCTGCCGCAGGCGCCGCTCCGCCTCCTCC[G>A]CCTGCAGCCGCAGCTCCTCCAGGGCCTGCAGGGCCCGCTGCTTCTCGCGCGCCGCCTCGG-3'
Protein context (NP_958786.1, residues 1535-1555): LQALEELRLQ[Ala1545Val]EEAERRLRQA